The following is an entry in ClinVar:

NM_001232.4(CASQ2):c.481A>C (p.Ile161Leu)

Gene: CASQ2 (calsequestrin 2; minus strand). Cytogenetic location: 1p13.1.
Variant type: single nucleotide variant.
Coding change: c.481A>C on transcript NM_001232.4 (MANE Select); coding-DNA position 481, A replaced by C.
Protein change: p.Ile161Leu; replaces isoleucine 161 with leucine.
Molecular consequence: missense variant.
Genome position (GRCh38, 1-based): chr1:115,738,275, T>G on the plus strand (A>C on the coding strand, the complement: CASQ2 is on the minus strand). VCF-style: chr1-115738275-T-G. GRCh37 (hg19) VCF-style: chr1-116280896-T-G.
Other names: p.I161L:ATT>CTT; short protein forms I161L.
Identifiers: ClinVar variation 190740 (VCV000190740.10), dbSNP rs146333579, ClinGen allele CA301891.

ClinVar aggregate classification (germline): Uncertain significance. Review status: criteria provided, multiple submitters, no conflicts (2 of 4 stars). 4 submissions from 4 submitters: Uncertain significance (4). Last evaluated 2025-10-04.

Conditions:
Cardiovascular phenotype. Identifiers: MedGen CN230736.
Catecholaminergic polymorphic ventricular tachycardia 2. Also called: CASQ2-Related Catecholaminergic Polymorphic Ventricular Tachycardia; VENTRICULAR TACHYCARDIA, STRESS-INDUCED POLYMORPHIC 2. Identifiers: Orphanet 3286, MedGen C2677794, MONDO:0012762, OMIM 611938.
Catecholaminergic polymorphic ventricular tachycardia 1. Also called: RYR2-Related Catecholaminergic Polymorphic Ventricular Tachycardia; VENTRICULAR TACHYCARDIA, STRESS-INDUCED POLYMORPHIC 1; VENTRICULAR TACHYCARDIA, CATECHOLAMINERGIC POLYMORPHIC, 1, WITH OR WITHOUT ATRIAL DYSFUNCTION AND/OR DILATED CARDIOMYOPATHY. Identifiers: Orphanet 3286, MedGen C1631597, MONDO:0011484, OMIM 604772.

Allele frequency attached by ClinVar (database versions not stated): TOPMed 0.00005; 1000 Genomes Project 30x 0.00016; 1000 Genomes Project 0.00020.
gnomAD v4.1: 11 of 1,614,028 alleles (0.00068%); highest among the groups gnomAD compares: East Asian, 0.025%; no homozygotes.

Submissions (4):

Labcorp Genetics (formerly Invitae), Labcorp
Classification: Uncertain significance for Catecholaminergic polymorphic ventricular tachycardia 1. Last evaluated: 2025-10-04. Review status: criteria provided, single submitter. Criteria: Invitae Variant Classification Sherloc (09022015). Collection method: clinical testing. Allele origin: germline.
Comment: This sequence change replaces isoleucine, which is neutral and non-polar, with leucine, which is neutral and non-polar, at codon 161 of the CASQ2 protein (p.Ile161Leu). This variant is present in population databases (rs146333579, gnomAD 0.03%). This variant has not been reported in the literature in individuals affected with CASQ2-related conditions. ClinVar contains an entry for this variant (Variation ID: 190740). Invitae Evidence Modeling of protein sequence and biophysical properties (such as structural, functional, and spatial information, amino acid conservation, physicochemical variation, residue mobility, and thermodynamic stability) indicates that this missense variant is not expected to disrupt CASQ2 protein function with a negative predictive value of 80%. In summary, the available evidence is currently insufficient to determine the role of this variant in disease. Therefore, it has been classified as a Variant of Uncertain Significance.

Genome-Nilou Lab
Classification: Uncertain significance for Catecholaminergic polymorphic ventricular tachycardia 2. Last evaluated: 2023-04-11. Review status: criteria provided, single submitter. Criteria: ACMG Guidelines, 2015. Collection method: clinical testing. Allele origin: germline. Affected: no.

Ambry Genetics
Classification: Uncertain significance for Cardiovascular phenotype. Last evaluated: 2022-08-09. Review status: criteria provided, single submitter. Criteria: Ambry Variant Classification Scheme 2023. Collection method: clinical testing. Allele origin: germline.
Comment: The p.I161L variant (also known as c.481A>C), located in coding exon 4 of the CASQ2 gene, results from an A to C substitution at nucleotide position 481. The isoleucine at codon 161 is replaced by leucine, an amino acid with highly similar properties. This alteration has been reported in a whole exome sequencing cohort; however, clinical details were limited (Landstrom AP et al. Circ Arrhythm Electrophysiol, 2017 Apr;10:[ePub ahead of print]). This amino acid position is not well conserved in available vertebrate species. In addition, this alteration is predicted to be tolerated by in silico analysis. Since supporting evidence is limited at this time, the clinical significance of this alteration remains unclear.

GeneDx
Classification: Uncertain significance. Last evaluated: 2014-08-04. Review status: criteria provided, single submitter. Criteria: GeneDx Variant Classification (06012015). Collection method: clinical testing. Allele origin: germline. Affected: yes.
Comment: p.Ile161Leu (ATT>CTT): c.481 A>C in exon 4 of the CASQ2 gene (NM_001232.3). A variant of unknown significance has been identified in the CASQ2 gene. The I161L variant has not been published as a mutation, nor has it been reported as a benign polymorphism to our knowledge. The I161L variant was not observed with any significant frequency in approximately 6,500 individuals of European and African American ancestry in the NHLBI Exome Sequencing Project, indicating it is not a common benign variant in these populations. The I161L variant is a conservative amino acid substitution, which is not likely to impact secondary protein structure as these residues share similar properties. This substitution occurs at a position that is conserved in mammals. In silico analysis is inconsistent in its predictions as to whether or not the variant is damaging to the protein structure/function. However, a missense mutations in a nearby residue (L167H) has been reported in association with CPVT, supporting the functional importance of this region of the protein. The variant is found in CPVT panel(s).

Literature cited by the submitters: PubMed 28404607 (cited by Ambry Genetics).